The following is an entry in ClinVar:

ClinVar aggregate classification (germline): Likely benign. Review status: criteria provided, multiple submitters, no conflicts (2 of 4 stars). 4 submissions from 4 submitters: Likely benign (4). Last evaluated 2026-04-30.

Conditions:
PLEKHG5-related disorder. Also called: PLEKHG5-related condition.
Charcot-Marie-Tooth disease recessive intermediate C. Also called: CHARCOT-MARIE-TOOTH NEUROPATHY, RECESSIVE INTERMEDIATE C. Identifiers: Orphanet 369867, MedGen C3809309, MONDO:0014154, OMIM 615376.
Neuronopathy, distal hereditary motor, autosomal recessive 4. Also called: Autosomal recessive lower motor neuron disease with childhood onset; NEUROPATHY, DISTAL HEREDITARY MOTOR, AUTOSOMAL RECESSIVE 4. Identifiers: Orphanet 206580, MedGen C1970211, MONDO:0012608, OMIM 611067.

Allele frequency attached by ClinVar (database versions not stated): ExAC 0.00003; gnomAD exomes 0.00004; TOPMed 0.00005; gnomAD 0.00006.
gnomAD v4.1: 67 of 1,582,462 alleles (0.0042%); highest among the groups gnomAD compares: Non-Finnish European, 0.005%; no homozygotes.

Submissions (4):

PreventionGenetics, part of Exact Sciences
Classification: Likely benign for PLEKHG5-related condition. Last evaluated: 2026-04-30. Review status: criteria provided, single submitter. Criteria: ACMG Guidelines, 2015. Collection method: clinical testing. Allele origin: germline.
Comment: This variant is classified as likely benign based on ACMG/AMP sequence variant interpretation guidelines (Richards et al. 2015 PMID: 25741868, with internal and published modifications).

Women's Health and Genetics/Laboratory Corporation of America, LabCorp
Classification: Likely benign. Last evaluated: 2026-04-20. Review status: criteria provided, single submitter. Criteria: LabCorp Variant Classification Summary - May 2015. Collection method: clinical testing. Allele origin: germline.

Labcorp Genetics (formerly Invitae), Labcorp
Classification: Likely benign for Neuronopathy, distal hereditary motor, autosomal recessive 4; Charcot-Marie-Tooth disease recessive intermediate C. Last evaluated: 2025-09-04. Review status: criteria provided, single submitter. Criteria: Invitae Variant Classification Sherloc (09022015). Collection method: clinical testing. Allele origin: germline.

Blueprint Genetics
Classification: Likely benign. Last evaluated: 2024-09-12. Review status: criteria provided, single submitter. Criteria: ACMG Guidelines, 2015. Collection method: clinical testing. Allele origin: germline.

NM_020631.6(PLEKHG5):c.1614G>T (p.Leu538=)

Gene: PLEKHG5 (pleckstrin homology and RhoGEF domain containing G5; minus strand). Cytogenetic location: 1p36.31.
Variant type: single nucleotide variant.
Coding change: c.1614G>T on transcript NM_020631.6 (MANE Select); coding-DNA position 1614, G replaced by T.
Protein change: p.Leu538=; no amino-acid change (leucine 538 retained).
Molecular consequence: synonymous variant.
Genome position (GRCh38, 1-based): chr1:6,470,572, C>A on the plus strand (G>T on the coding strand, the complement: PLEKHG5 is on the minus strand). VCF-style: chr1-6470572-C-A. GRCh37 (hg19) VCF-style: chr1-6530632-C-A.
Other names: c.1725G>T, p.Leu575= (NM_001042663.3, NM_001265592.2); c.1614G>T, p.Leu538= (NM_001042664.2, NM_001042665.2, NM_001265594.3 and 1 more transcripts); c.1821G>T, p.Leu607= (NM_001265593.2).
Identifiers: ClinVar variation 737039 (VCV000737039.14), dbSNP rs754624083, ClinGen allele CA561447.
Genomic context (GRCh38, chr1:6,470,572, plus strand): 5'-CACTTCGTCGCTGCTGCTTTCCACCACCTCGTAGGCGTCGATGCGGCTCACCACGGCCGC[C>A]AGCCGCTGCCGCTCCTGCCGCTGCCGCATGCACGCGTTCACGTGGTGGATGAAGCGCTCC-3'
Protein context (NP_065682.2, residues 528-548): CMRQRQERQR[Leu538=]AAVVSRIDAY